The following is an entry in ClinVar:

NM_000346.4(SOX9):c.1062G>C (p.Pro354=)

Gene: SOX9 (SRY-box transcription factor 9; plus strand). Cytogenetic location: 17q24.3.
Variant type: single nucleotide variant.
Coding change: c.1062G>C on transcript NM_000346.4 (MANE Select); coding-DNA position 1062, G replaced by C.
Protein change: p.Pro354=; no amino-acid change (proline 354 retained).
Molecular consequence: synonymous variant.
Genome position (GRCh38, 1-based): chr17:72,123,919, G>C. VCF-style: chr17-72123919-G-C. GRCh37 (hg19) VCF-style: chr17-70120060-G-C.
Other names: c.1062G>C (NM_000346.3).
Identifiers: ClinVar variation 2063208 (VCV002063208.6), dbSNP rs868845946, ClinGen allele CA293783633.
Genomic context (GRCh38, chr17:72,123,919, plus strand): 5'-GTGGATGTCCAAGCAGCAGGCGCCGCCGCCACCCCCGCAGCAGCCCCCACAGGCCCCGCC[G>C]GCCCCGCAGGCGCCCCCGCAGCCGCAGGCGGCGCCCCCACAGCAGCCGGCGGCACCCCCG-3'
Protein context (NP_000337.1, residues 344-364): PPPQQPPQAP[Pro354=]APQAPPQPQA

ClinVar aggregate classification (germline): Likely benign. Review status: criteria provided, multiple submitters, no conflicts (2 of 4 stars). 3 submissions from 3 submitters: Likely benign (3). Last evaluated 2025-12-13.

Conditions:
SOX9-related disorder. Also called: SOX9-related condition.
Camptomelic dysplasia (CMPD). Also called: CMPD1/SRA1; Campomelic Dysplasia. Identifiers: Orphanet 140, MedGen C1861922, MONDO:0007251, OMIM 114290.

gnomAD v4.1: 8 of 1,289,864 alleles (0.00062%); highest among the groups gnomAD compares: Middle Eastern, 0.028%; no homozygotes.

Submissions (3):

Labcorp Genetics (formerly Invitae), Labcorp
Classification: Likely benign for Camptomelic dysplasia. Last evaluated: 2025-12-13. Review status: criteria provided, single submitter. Criteria: Invitae Variant Classification Sherloc (09022015). Collection method: clinical testing. Allele origin: germline.

PreventionGenetics, part of Exact Sciences
Classification: Likely benign for SOX9-related condition. Last evaluated: 2024-12-31. Review status: criteria provided, single submitter. Criteria: ACMG Guidelines, 2015. Collection method: clinical testing. Allele origin: germline.
Comment: This variant is classified as likely benign based on ACMG/AMP sequence variant interpretation guidelines (Richards et al. 2015 PMID: 25741868, with internal and published modifications).

Blueprint Genetics
Classification: Likely benign. Last evaluated: 2023-09-07. Review status: criteria provided, single submitter. Criteria: ACMG Guidelines, 2015. Collection method: clinical testing. Allele origin: germline.